The following is an entry in ClinVar:

NM_003545.4(H4C5):c.166C>G (p.Arg56Gly)

Gene: H4C5 (H4 clustered histone 5; plus strand). Cytogenetic location: 6p22.2.
Variant type: single nucleotide variant.
Coding change: c.166C>G on transcript NM_003545.4 (MANE Select); coding-DNA position 166, C replaced by G.
Protein change: p.Arg56Gly; replaces arginine 56 with glycine.
Molecular consequence: missense variant.
Genome position (GRCh38, 1-based): chr6:26,204,810, C>G. VCF-style: chr6-26204810-C-G. GRCh37 (hg19) VCF-style: chr6-26205038-C-G.
Other names: short protein forms R56G.
Identifiers: ClinVar variation 4858255 (VCV004858255.1).

ClinVar aggregate classification (germline): Uncertain significance (1 of 4 stars; one submission).

Submission:

Ambry Genetics
Classification: Uncertain significance. Last evaluated: 2026-04-11. Review status: criteria provided, single submitter. Criteria: Ambry Variant Classification Scheme 2023. Collection method: clinical testing. Allele origin: germline.
Comment: The c.166C>G (p.R56G) alteration is located in exon 1 (coding exon 1) of the HIST1H4E gene. This alteration results from a C to G substitution at nucleotide position 166, causing the arginine (R) at amino acid position 56 to be replaced by a glycine (G). Based on data from gnomAD, the G allele has an overall frequency of <0.001% (1/251492) total alleles studied. The highest observed frequency was 0.003% (1/30616) of South Asian alleles. Based on insufficient or conflicting evidence, the clinical significance of this alteration remains unclear.